The following is an entry in ClinVar:

NM_001849.4(COL6A2):c.460G>A (p.Val154Ile)

Gene: COL6A2 (collagen type VI alpha 2 chain; plus strand). Cytogenetic location: 21q22.3.
Variant type: single nucleotide variant.
Coding change: c.460G>A on transcript NM_001849.4 (MANE Select); coding-DNA position 460, G replaced by A.
Protein change: p.Val154Ile; replaces valine 154 with isoleucine.
Molecular consequence: missense variant.
Genome position (GRCh38, 1-based): chr21:46,112,323, G>A. VCF-style: chr21-46112323-G-A. GRCh37 (hg19) VCF-style: chr21-47532237-G-A.
Other names: c.460G>A, p.Val154Ile (NM_058174.3, NM_058175.3); short protein forms V154I.
Identifiers: ClinVar variation 658056 (VCV000658056.14), dbSNP rs751410120, ClinGen allele CA10071298.

ClinVar aggregate classification (germline): Conflicting classifications of pathogenicity. Review status: criteria provided, conflicting classifications (1 of 4 stars). 3 submissions from 3 submitters: Uncertain significance (2); Likely benign (1). Last evaluated 2025-06-18.

Conditions:
Bethlem myopathy 1A. Also called: Bethlem Muscular Dystrophy; Bethlem myopathy 1; MYOPATHY, BENIGN CONGENITAL, WITH CONTRACTURES. Identifiers: Orphanet 610, MedGen CN029274, MONDO:0024530, OMIM 158810.

Allele frequency attached by ClinVar (database versions not stated): gnomAD exomes 0.00001 and 0.00002; ExAC 0.00002; gnomAD 0.00002; TOPMed 0.00002.
gnomAD v4.1: 28 of 1,611,434 alleles (0.0017%); highest among the groups gnomAD compares: Middle Eastern, 0.016%; no homozygotes.

Submissions (3):

Labcorp Genetics (formerly Invitae), Labcorp
Classification: Likely benign for Bethlem myopathy 1A. Last evaluated: 2025-06-18. Review status: criteria provided, single submitter. Criteria: Invitae Variant Classification Sherloc (09022015). Collection method: clinical testing. Allele origin: germline.

GeneDx
Classification: Uncertain significance. Last evaluated: 2023-06-20. Review status: criteria provided, single submitter. Criteria: GeneDx Variant Classification Process June 2021. Collection method: clinical testing. Allele origin: germline. Affected: yes.
Comment: In silico analysis supports that this missense variant does not alter protein structure/function; Has not been previously published as pathogenic or benign to our knowledge

Revvity Omics, Revvity
Classification: Uncertain significance. Last evaluated: 2022-04-20. Review status: criteria provided, single submitter. Criteria: ACMG Guidelines, 2015. Collection method: clinical testing. Allele origin: germline.